The following is an entry in ClinVar:

NM_016507.4(CDK12):c.3874G>C (p.Glu1292Gln)

Gene: CDK12 (cyclin dependent kinase 12; plus strand). Cytogenetic location: 17q12.
Variant type: single nucleotide variant.
Coding change: c.3874G>C on transcript NM_016507.4 (MANE Select); coding-DNA position 3874, G replaced by C.
Protein change: p.Glu1292Gln; replaces glutamic acid 1292 with glutamine.
Molecular consequence: missense variant.
Genome position (GRCh38, 1-based): chr17:39,530,717, G>C. VCF-style: chr17-39530717-G-C. GRCh37 (hg19) VCF-style: chr17-37686970-G-C.
Other names: c.3847G>C, p.Glu1283Gln (NM_015083.4); short protein forms E1283Q, E1292Q.
Identifiers: ClinVar variation 5034130 (VCV005034130.1).

ClinVar aggregate classification (germline): Uncertain significance (1 of 4 stars; one submission).

Submission:

Ambry Genetics
Classification: Uncertain significance. Last evaluated: 2026-08-02. Review status: criteria provided, single submitter. Criteria: Ambry Variant Classification Scheme 2023. Collection method: clinical testing. Allele origin: germline.
Comment: The p.E1292Q variant (also known as c.3874G>C), located in coding exon 14 of the CDK12 gene, results from a G to C substitution at nucleotide position 3874. The glutamic acid at codon 1292 is replaced by glutamine, an amino acid with highly similar properties. This amino acid position is conserved. In addition, this alteration is predicted to be tolerated by in silico analysis. Based on the available evidence, the clinical significance of this variant remains unclear.